The following is an entry in ClinVar:

ClinVar aggregate classification (germline): Uncertain significance (1 of 4 stars; one submission).

Conditions:
Inborn genetic diseases. Identifiers: MedGen C0950123, MeSH D030342.

gnomAD v4.1: 5 of 1,609,882 alleles (0.00031%); highest among the groups gnomAD compares: Non-Finnish European, 0.00042%; no homozygotes.

Submission:

Ambry Genetics
Classification: Uncertain significance for Inborn genetic diseases. Last evaluated: 2022-09-26. Review status: criteria provided, single submitter. Criteria: Ambry Variant Classification Scheme 2023. Collection method: clinical testing. Allele origin: germline.
Comment: The p.T252I variant (also known as c.755C>T), located in coding exon 6 of the SMAD2 gene, results from a C to T substitution at nucleotide position 755. The threonine at codon 252 is replaced by isoleucine, an amino acid with similar properties. This amino acid position is conserved. In addition, this alteration is predicted to be tolerated by in silico analysis. Since supporting evidence is limited at this time, the clinical significance of this alteration remains unclear.

NM_005901.6(SMAD2):c.755C>T (p.Thr252Ile)

Gene: SMAD2 (SMAD family member 2; minus strand). Cytogenetic location: 18q21.1.
Variant type: single nucleotide variant.
Coding change: c.755C>T on transcript NM_005901.6 (MANE Select); coding-DNA position 755, C replaced by T.
Protein change: p.Thr252Ile; replaces threonine 252 with isoleucine.
Molecular consequence: missense variant.
Genome position (GRCh38, 1-based): chr18:47,851,303, G>A on the plus strand (C>T on the coding strand, the complement: SMAD2 is on the minus strand). VCF-style: chr18-47851303-G-A. GRCh37 (hg19) VCF-style: chr18-45377674-G-A.
Other names: c.755C>T, p.Thr252Ile (NM_001003652.4); c.665C>T, p.Thr222Ile (NM_001135937.3); short protein forms T252I, T222I.
Identifiers: ClinVar variation 1759514 (VCV001759514.2), dbSNP rs2511326348, ClinGen allele CA402504782.